The following is an entry in ClinVar:

NM_022455.5(NSD1):c.658_666del (p.Gly220_Val222del)

Gene: NSD1 (nuclear receptor binding SET domain protein 1; plus strand). Cytogenetic location: 5q35.3.
Variant type: Deletion.
Coding change: c.658_666del on transcript NM_022455.5 (MANE Select); coding-DNA positions 658 to 666, 9 bases deleted (GGTGCAGTC; older notation c.658_666delGGTGCAGTC).
Protein change: p.Gly220_Val222del.
Molecular consequence: inframe deletion. On other transcripts: inframe indel (1), intron variant (8).
Genome position (GRCh38, 1-based): chr5:177,135,761-177,135,769, GGTGCAGTC deleted; deleting any 9 consecutive bases within chr5:177,135,760-177,135,769 gives the same sequence; the c. name uses the placement nearest the transcript's 3' end. VCF-style (leftmost placement, unchanged base first): chr5-177135759-ACGGTGCAGT-A. GRCh37 (hg19) VCF-style: chr5-176562760-ACGGTGCAGT-A.
Other names: c.658_666del, p.Gly220_Val222del (NM_001409301.1, NM_001409302.1, NM_001409303.1); c.658_666delGGTGCAGTC, p.Gly220_Val222del (NM_022455.4); c.418-180_418-172del (NM_001409304.1); c.-36-180_-36-172del (NM_001409305.1, NM_001409306.1, NM_001409308.1 and 4 more transcripts).
Identifiers: ClinVar variation 966321 (VCV000966321.10), dbSNP rs1756266305, ClinGen allele CA1139659282.

ClinVar aggregate classification (germline): Uncertain significance (1 of 4 stars; one submission).

Submission:

Labcorp Genetics (formerly Invitae), Labcorp
Classification: Uncertain significance. Last evaluated: 2019-10-29. Review status: criteria provided, single submitter. Criteria: Invitae Variant Classification Sherloc (09022015). Collection method: clinical testing. Allele origin: germline.
Comment: This variant has not been reported in the literature in individuals with NSD1-related conditions. Experimental studies and prediction algorithms are not available or were not evaluated, and the functional significance of this variant is currently unknown. In summary, the available evidence is currently insufficient to determine the role of this variant in disease. Therefore, it has been classified as a Variant of Uncertain Significance. This variant, c.658_666del, results in the deletion of 3 amino acid(s) of the NSD1 protein (p.Gly220_Val222del), but otherwise preserves the integrity of the reading frame. This variant is not present in population databases (ExAC no frequency).